The following is an entry in ClinVar:

NM_001303256.3(MORC2):c.265A>G (p.Lys89Glu)

Gene: MORC2 (MORC family CW-type zinc finger 2; minus strand). Cytogenetic location: 22q12.2.
Variant type: single nucleotide variant.
Coding change: c.265A>G on transcript NM_001303256.3 (MANE Select); coding-DNA position 265, A replaced by G.
Protein change: p.Lys89Glu; replaces lysine 89 with glutamic acid.
Molecular consequence: missense variant.
Genome position (GRCh38, 1-based): chr22:30,949,804, T>C on the plus strand (A>G on the coding strand, the complement: MORC2 is on the minus strand). VCF-style: chr22-30949804-T-C. GRCh37 (hg19) VCF-style: chr22-31345790-T-C.
Other names: c.265A>G, p.Lys89Glu (NM_001303257.2); c.79A>G, p.Lys27Glu (NM_014941.3); short protein forms K27E, K89E.
Identifiers: ClinVar variation 3602632 (VCV003602632.2).

ClinVar aggregate classification (germline): Likely pathogenic (1 of 4 stars; one submission).

Conditions:
Developmental delay, impaired growth, dysmorphic facies, and axonal neuropathy. Identifiers: MedGen C5436781, MONDO:0030835, OMIM 619090.

Submission:

Laboratory of Functional Genomics, Research Centre for Medical Genetics
Classification: Likely pathogenic for Developmental delay, impaired growth, dysmorphic facies, and axonal neuropathy. Review status: criteria provided, single submitter. Criteria: ACMG Guidelines, 2015. Collection method: clinical testing, in vitro. Allele origin: de novo, not applicable. Affected: yes. Observed: 1 heterozygote.
Comment: Segregation analysis confirmed its de novo state. This variant is absent in population databases. For functional characterization of the variant a vector, expressing MORC2 fused with Flag tag at C-terminal end, was created. Transfection of the plasmid into HEK293T cells followed by Western blotting revealed slight reduction of MORC2 protein quantity compared to wt vector. In summary, c.265A>G variant meets criteria to be classified as likely pathogenic.